The following is an entry in ClinVar:

NM_006206.6(PDGFRA):c.223G>C (p.Glu75Gln)

Gene: PDGFRA (platelet derived growth factor receptor alpha; plus strand). Cytogenetic location: 4q12.
Variant type: single nucleotide variant.
Coding change: c.223G>C on transcript NM_006206.6 (MANE Select); coding-DNA position 223, G replaced by C.
Protein change: p.Glu75Gln; replaces glutamic acid 75 with glutamine.
Molecular consequence: missense variant.
Genome position (GRCh38, 1-based): chr4:54,261,268, G>C. VCF-style: chr4-54261268-G-C. GRCh37 (hg19) VCF-style: chr4-55127435-G-C.
Other names: c.223G>C, p.Glu75Gln (NM_001347827.2, NM_001347829.2); c.298G>C, p.Glu100Gln (NM_001347828.2); c.262G>C, p.Glu88Gln (NM_001347830.2); short protein forms E75Q, E100Q, E88Q.
Identifiers: ClinVar variation 459047 (VCV000459047.11), dbSNP rs1285564229, ClinGen allele CA356888537.

ClinVar aggregate classification (germline): Uncertain significance. Review status: criteria provided, multiple submitters, no conflicts (2 of 4 stars). 2 submissions from 2 submitters: Uncertain significance (2). Last evaluated 2025-08-04.

Conditions:
Hereditary cancer-predisposing syndrome. Also called: Tumor predisposition; Hereditary neoplastic syndrome; Neoplastic Syndromes, Hereditary; Hereditary Cancer Syndrome. Identifiers: Orphanet 140162, MedGen C0027672, MeSH D009386, MONDO:0015356.
Gastrointestinal stromal tumor. Also called: Gastrointestinal stroma tumor; Gastrointestinal stromal tumor, somatic. Identifiers: Orphanet 44890, MedGen C0238198, MeSH D046152, MONDO:0011719, OMIM 606764, HP:0100723.

Allele frequency attached by ClinVar (database versions not stated): gnomAD exomes below 0.00001.
gnomAD v4.1: 1 of 1,614,178 alleles (0.000062%); highest among the groups gnomAD compares: Non-Finnish European, 0.000085%; no homozygotes.

Submissions (2):

Labcorp Genetics (formerly Invitae), Labcorp
Classification: Uncertain significance for Gastrointestinal stromal tumor. Last evaluated: 2025-08-04. Review status: criteria provided, single submitter. Criteria: Invitae Variant Classification Sherloc (09022015). Collection method: clinical testing. Allele origin: germline.
Comment: This sequence change replaces glutamic acid, which is acidic and polar, with glutamine, which is neutral and polar, at codon 75 of the PDGFRA protein (p.Glu75Gln). This variant is present in population databases (no rsID available, gnomAD 0.0009%). This variant has not been reported in the literature in individuals affected with PDGFRA-related conditions. ClinVar contains an entry for this variant (Variation ID: 459047). Invitae Evidence Modeling of protein sequence and biophysical properties (such as structural, functional, and spatial information, amino acid conservation, physicochemical variation, residue mobility, and thermodynamic stability) indicates that this missense variant is not expected to disrupt PDGFRA protein function with a negative predictive value of 80%. In summary, the available evidence is currently insufficient to determine the role of this variant in disease. Therefore, it has been classified as a Variant of Uncertain Significance.

Ambry Genetics
Classification: Uncertain significance for Hereditary cancer-predisposing syndrome. Last evaluated: 2024-03-02. Review status: criteria provided, single submitter. Criteria: Ambry Variant Classification Scheme 2023. Collection method: clinical testing. Allele origin: germline.
Comment: The p.E75Q variant (also known as c.223G>C), located in coding exon 2 of the PDGFRA gene, results from a G to C substitution at nucleotide position 223. The glutamic acid at codon 75 is replaced by glutamine, an amino acid with highly similar properties. This amino acid position is conserved. In addition, the in silico prediction for this alteration is inconclusive. Since supporting evidence is limited at this time, the clinical significance of this alteration remains unclear.